The following is an entry in ClinVar:

NM_001458.5(FLNC):c.874G>T (p.Val292Leu)

Gene: FLNC (filamin C; plus strand). Cytogenetic location: 7q32.1.
Variant type: single nucleotide variant.
Coding change: c.874G>T on transcript NM_001458.5 (MANE Select); coding-DNA position 874, G replaced by T.
Protein change: p.Val292Leu; replaces valine 292 with leucine.
Molecular consequence: missense variant.
Genome position (GRCh38, 1-based): chr7:128,837,660, G>T. VCF-style: chr7-128837660-G-T. GRCh37 (hg19) VCF-style: chr7-128477714-G-T.
Other names: c.874G>T, p.Val292Leu (NM_001127487.2); short protein forms V292L.
Identifiers: ClinVar variation 661360 (VCV000661360.7), dbSNP rs1275499234, ClinGen allele CA369222941.

ClinVar aggregate classification (germline): Uncertain significance (1 of 4 stars; one submission).

Conditions:
Distal myopathy with posterior leg and anterior hand involvement. Also called: WILLIAMS DISTAL MYOPATHY. Identifiers: Orphanet 63273, MedGen C3279722, MONDO:0013550, OMIM 614065.
Myofibrillar myopathy 5. Also called: Filaminopathy (type); FILAMINOPATHY, AUTOSOMAL DOMINANT. Identifiers: Orphanet 171445, MedGen C1836050, MONDO:0012289, OMIM 609524.
Hypertrophic cardiomyopathy 26. Also called: Cardiomyopathy, familial hypertrophic, 26. Identifiers: Orphanet 75249, MedGen C4310749, MONDO:0014883, OMIM 617047.

gnomAD v4.1: 39 of 1,612,490 alleles (0.0024%); highest among the groups gnomAD compares: Admixed American, 0.0033%; no homozygotes.

Submission:

Labcorp Genetics (formerly Invitae), Labcorp
Classification: Uncertain significance for Distal myopathy with posterior leg and anterior hand involvement; Myofibrillar myopathy 5; Hypertrophic cardiomyopathy 26. Last evaluated: 2025-12-08. Review status: criteria provided, single submitter. Criteria: Invitae Variant Classification Sherloc (09022015). Collection method: clinical testing. Allele origin: germline.
Comment: This sequence change replaces valine, which is neutral and non-polar, with leucine, which is neutral and non-polar, at codon 292 of the FLNC protein (p.Val292Leu). This variant is present in population databases (no rsID available, gnomAD 0.006%). This variant has not been reported in the literature in individuals affected with FLNC-related conditions. ClinVar contains an entry for this variant (Variation ID: 661360). Invitae Evidence Modeling of protein sequence and biophysical properties (such as structural, functional, and spatial information, amino acid conservation, physicochemical variation, residue mobility, and thermodynamic stability) has been performed for this missense variant. However, the output from this modeling did not meet the statistical confidence thresholds required to predict the impact of this variant on FLNC protein function. In summary, the available evidence is currently insufficient to determine the role of this variant in disease. Therefore, it has been classified as a Variant of Uncertain Significance.